The following is an entry in ClinVar:

ClinVar aggregate classification (germline): Uncertain significance (1 of 4 stars; one submission).

Conditions:
Peroxisome biogenesis disorder. Identifiers: Orphanet 79189, MedGen C1832200, MONDO:0019234. Disease mechanism: loss of function.

Submission:

Labcorp Genetics (formerly Invitae), Labcorp
Classification: Uncertain significance for Peroxisome biogenesis disorder. Last evaluated: 2019-10-15. Review status: criteria provided, single submitter. Criteria: Invitae Variant Classification Sherloc (09022015). Collection method: clinical testing. Allele origin: germline.
Comment: In summary, the available evidence is currently insufficient to determine the role of this variant in disease. Therefore, it has been classified as a Variant of Uncertain Significance. Experimental studies and prediction algorithms are not available or were not evaluated for this variant, and the functional significance of this variant is currently unknown. This variant has not been reported in the literature in individuals with PEX6-related conditions. This variant is not present in population databases (ExAC no frequency). This variant, c.519_521del, results in the deletion of 1 amino acid of the PEX6 protein (p.Ser174del) but otherwise preserves the integrity of the reading frame.

NM_000287.4(PEX6):c.516CAG[1] (p.Ser174del)

Gene: PEX6 (peroxisomal biogenesis factor 6; minus strand). Cytogenetic location: 6p21.1.
Variant type: Microsatellite.
Coding change: c.516CAG[1] on transcript NM_000287.4 (MANE Select); one copy of the 3-base unit CAG starting at c.516; the reference has two copies in a row; one copy, 3 bases deleted.
Protein change: p.Ser174del; deletes serine 174.
Molecular consequence: inframe deletion. On other transcripts: non-coding transcript variant (1).
Genome position (GRCh38, 1-based): chr6:42,978,630-42,978,632, CTG deleted on the plus strand (CAG on the coding strand, the reverse complement: PEX6 is on the minus strand); deleting any 3 consecutive bases within chr6:42,978,630-42,978,635 gives the same sequence; the position shown is the placement nearest the transcript's 3' end. VCF-style (leftmost placement, unchanged base first): chr6-42978629-ACTG-A. GRCh37 (hg19) VCF-style: chr6-42946367-ACTG-A.
Other names: c.516CAG[1], p.Ser174del (NM_001316313.2); short protein forms S174del.
Identifiers: ClinVar variation 950985 (VCV000950985.8), dbSNP rs1770416024, ClinGen allele CA1624318169.